The following is an entry in ClinVar:

ClinVar aggregate classification (germline): Uncertain significance (1 of 4 stars; one submission).

Submission:

Labcorp Genetics (formerly Invitae), Labcorp
Classification: Uncertain significance. Last evaluated: 2023-10-16. Review status: criteria provided, single submitter. Criteria: Invitae Variant Classification Sherloc (09022015). Collection method: clinical testing. Allele origin: germline.
Comment: This sequence change replaces isoleucine, which is neutral and non-polar, with valine, which is neutral and non-polar, at codon 4437 of the ADGRV1 protein (p.Ile4437Val). This variant is not present in population databases (gnomAD no frequency). This variant has not been reported in the literature in individuals affected with ADGRV1-related conditions. Advanced modeling of protein sequence and biophysical properties (such as structural, functional, and spatial information, amino acid conservation, physicochemical variation, residue mobility, and thermodynamic stability) performed at Invitae indicates that this missense variant is not expected to disrupt ADGRV1 protein function. In summary, the available evidence is currently insufficient to determine the role of this variant in disease. Therefore, it has been classified as a Variant of Uncertain Significance.

NM_032119.4(ADGRV1):c.13309A>G (p.Ile4437Val)

Gene: ADGRV1 (adhesion G protein-coupled receptor V1; plus strand). Cytogenetic location: 5q14.3.
Variant type: single nucleotide variant.
Coding change: c.13309A>G on transcript NM_032119.4 (MANE Select); coding-DNA position 13309, A replaced by G.
Protein change: p.Ile4437Val; replaces isoleucine 4437 with valine.
Molecular consequence: missense variant. On other transcripts: non-coding transcript variant (1).
Genome position (GRCh38, 1-based): chr5:90,783,201, A>G. VCF-style: chr5-90783201-A-G. GRCh37 (hg19) VCF-style: chr5-90079018-A-G.
Other names: short protein forms I4437V.
Identifiers: ClinVar variation 2857914 (VCV002857914.3), dbSNP rs2531925565, ClinGen allele CA360393895.
Genomic context (GRCh38, chr5:90,783,201, plus strand): 5'-CTGATCATGATCCCAGTGGTGAGGCTACATGGAACTTATGGCTATGTGACAGCTGATTTC[A>G]TCTCTCAGAGCTCCTCTGCCAGTCCCGGAGGTGTTGATTACATTTTGCATGGCAGTACAG-3'
Protein context (NP_115495.3, residues 4427-4447): GTYGYVTADF[Ile4437Val]SQSSSASPGG